The following is an entry in ClinVar:

NM_002225.5(IVD):c.817G>A (p.Val273Ile)

Gene: IVD (isovaleryl-CoA dehydrogenase; plus strand). Cytogenetic location: 15q15.1.
Variant type: single nucleotide variant.
Coding change: c.817G>A on transcript NM_002225.5 (MANE Select); coding-DNA position 817, G replaced by A.
Protein change: p.Val273Ile; replaces valine 273 with isoleucine.
Molecular consequence: missense variant. On other transcripts: non-coding transcript variant (1).
Genome position (GRCh38, 1-based): chr15:40,414,921, G>A. VCF-style: chr15-40414921-G-A. GRCh37 (hg19) VCF-style: chr15-40707120-G-A.
Other names: c.727G>A, p.Val243Ile (NM_001159508.3); c.769G>A, p.Val257Ile (NM_001354597.3); c.817G>A, p.Val273Ile (NM_001354598.3, NM_001354601.3); c.904G>A, p.Val302Ile (NM_001354599.3, NM_001354600.3); short protein forms V273I, V302I, V243I, V257I.
Identifiers: ClinVar variation 2071893 (VCV002071893.1), dbSNP rs372558622, ClinGen allele CA7480755.

ClinVar aggregate classification (germline): Uncertain significance (1 of 4 stars; one submission).

Conditions:
Isovaleryl-CoA dehydrogenase deficiency (IVA). Also called: ISOVALERIC ACID CoA DEHYDROGENASE DEFICIENCY; Isovaleric acidemia; IVD DEFICIENCY; Classic Isovaleric Acidemia. Identifiers: Orphanet 33, MedGen C0268575, MONDO:0009475, OMIM 243500.

Allele frequency attached by ClinVar (database versions not stated): gnomAD 0.00001; ExAC 0.00002; TOPMed 0.00002; gnomAD exomes 0.00006; ESP Exome Variant Server 0.00008.
gnomAD v4.1: 82 of 1,614,084 alleles (0.0051%); highest among the groups gnomAD compares: Non-Finnish European, 0.0068%; no homozygotes.

Submission:

Labcorp Genetics (formerly Invitae), Labcorp
Classification: Uncertain significance for Isovaleryl-CoA dehydrogenase deficiency. Last evaluated: 2021-06-18. Review status: criteria provided, single submitter. Criteria: Invitae Variant Classification Sherloc (09022015). Collection method: clinical testing. Allele origin: germline.
Comment: This sequence change replaces valine with isoleucine at codon 276 of the IVD protein (p.Val276Ile). The valine residue is highly conserved and there is a small physicochemical difference between valine and isoleucine. This variant is present in population databases (rs372558622, ExAC 0.003%). This variant has not been reported in the literature in individuals with IVD-related disease. Algorithms developed to predict the effect of missense changes on protein structure and function do not agree on the potential impact of this missense change (SIFT: "Deleterious"; PolyPhen-2: "Benign"; Align-GVGD: "Class C25"). In summary, the available evidence is currently insufficient to determine the role of this variant in disease. Therefore, it has been classified as a Variant of Uncertain Significance.